The following is an entry in ClinVar:

NM_014984.4(CEP131):c.257G>A (p.Arg86Gln)

Gene: CEP131 (centrosomal protein 131; minus strand). Cytogenetic location: 17q25.3.
Variant type: single nucleotide variant.
Coding change: c.257G>A on transcript NM_014984.4 (MANE Select); coding-DNA position 257, G replaced by A.
Protein change: p.Arg86Gln; replaces arginine 86 with glutamine.
Molecular consequence: missense variant.
Genome position (GRCh38, 1-based): chr17:81,208,943, C>T on the plus strand (G>A on the coding strand, the complement: CEP131 is on the minus strand). VCF-style: chr17-81208943-C-T. GRCh37 (hg19) VCF-style: chr17-79182743-C-T.
Other names: c.257G>A, p.Arg86Gln (NM_001009811.4, NM_001319228.2, NM_001319229.2); c.257G>A (NM_014984.2); short protein forms R86Q.
Identifiers: ClinVar variation 2648441 (VCV002648441.24), dbSNP rs143028785, ClinGen allele CA8830364.

ClinVar aggregate classification (germline): Conflicting classifications of pathogenicity. Review status: criteria provided, conflicting classifications (1 of 4 stars). 2 submissions from 2 submitters: Uncertain significance (1); Likely benign (1). Last evaluated 2025-05-17.

Allele frequency attached by ClinVar (database versions not stated): ExAC 0.00002; ESP Exome Variant Server 0.00015.
gnomAD v4.1: 70 of 1,613,600 alleles (0.0043%); highest among the groups gnomAD compares: Middle Eastern, 0.017%; no homozygotes.

Submissions (2):

Ambry Genetics
Classification: Uncertain significance. Last evaluated: 2025-05-17. Review status: criteria provided, single submitter. Criteria: Ambry Variant Classification Scheme 2023. Collection method: clinical testing. Allele origin: germline.

CeGaT Center for Human Genetics Tuebingen
Classification: Likely benign. Last evaluated: 2022-06-01. Review status: criteria provided, single submitter. Criteria: CeGaT Center For Human Genetics Tuebingen Variant Classification Criteria Version 2. Collection method: clinical testing. Allele origin: germline. Affected: yes. Observed: 1 variant allele.
Comment: CEP131: BP4